The following is an entry in ClinVar:

NM_033026.6(PCLO):c.15166A>T (p.Met5056Leu)

Gene: PCLO (piccolo presynaptic cytomatrix protein; minus strand). Cytogenetic location: 7q21.11.
Variant type: single nucleotide variant.
Coding change: c.15166A>T on transcript NM_033026.6 (MANE Select); coding-DNA position 15166, A replaced by T.
Protein change: p.Met5056Leu; replaces methionine 5056 with leucine.
Molecular consequence: missense variant.
Genome position (GRCh38, 1-based): chr7:82,760,761, T>A on the plus strand (A>T on the coding strand, the complement: PCLO is on the minus strand). VCF-style: chr7-82760761-T-A. GRCh37 (hg19) VCF-style: chr7-82390077-T-A.
Other names: short protein forms M5056L.
Identifiers: ClinVar variation 1967717 (VCV001967717.6), dbSNP rs188340731, ClinGen allele CA4318600.

ClinVar aggregate classification (germline): Uncertain significance. Review status: criteria provided, multiple submitters, no conflicts (2 of 4 stars). 2 submissions from 2 submitters: Uncertain significance (2). Last evaluated 2023-12-13.

Allele frequency attached by ClinVar (database versions not stated): gnomAD exomes 0.00001; ExAC 0.00002; gnomAD 0.00003; TOPMed 0.00003; 1000 Genomes Project 0.00060; 1000 Genomes Project 30x 0.00062.
gnomAD v4.1: 14 of 1,486,578 alleles (0.00094%); highest among the groups gnomAD compares: East Asian, 0.018%; no homozygotes.

Submissions (2):

Greenwood Genetic Center Diagnostic Laboratories, Greenwood Genetic Center
Classification: Uncertain significance. Last evaluated: 2023-12-13. Review status: criteria provided, single submitter. Criteria: ACMG Guidelines, 2015. Collection method: clinical testing. Allele origin: germline. Affected: yes.
Comment: PM2, BP4

Labcorp Genetics (formerly Invitae), Labcorp
Classification: Uncertain significance. Last evaluated: 2022-09-22. Review status: criteria provided, single submitter. Criteria: Invitae Variant Classification Sherloc (09022015). Collection method: clinical testing. Allele origin: germline.
Comment: In summary, the available evidence is currently insufficient to determine the role of this variant in disease. Therefore, it has been classified as a Variant of Uncertain Significance. Algorithms developed to predict the effect of missense changes on protein structure and function output the following: SIFT: "Tolerated"; PolyPhen-2: "Not Available"; Align-GVGD: "Class C0". The leucine amino acid residue is found in multiple mammalian species, which suggests that this missense change does not adversely affect protein function. This variant has not been reported in the literature in individuals affected with PCLO-related conditions. This variant is present in population databases (rs188340731, gnomAD 0.02%). This sequence change replaces methionine, which is neutral and non-polar, with leucine, which is neutral and non-polar, at codon 5056 of the PCLO protein (p.Met5056Leu).